The following is an entry in ClinVar:

NM_001369268.1(ACAN):c.393C>G (p.Tyr131Ter)

Gene: ACAN (aggrecan; plus strand). Cytogenetic location: 15q26.1.
Variant type: single nucleotide variant.
Coding change: c.393C>G on transcript NM_001369268.1 (MANE Select); coding-DNA position 393, C replaced by G.
Protein change: p.Tyr131Ter; replaces tyrosine 131 with a stop codon.
Molecular consequence: nonsense.
Genome position (GRCh38, 1-based): chr15:88,838,985, C>G. VCF-style: chr15-88838985-C-G. GRCh37 (hg19) VCF-style: chr15-89382216-C-G.
Other names: c.393C>G, p.Tyr131Ter (NM_001135.4, NM_001411096.1, NM_001411097.1 and 1 more transcripts); short protein forms Y131*.
Identifiers: ClinVar variation 4714600 (VCV004714600.1).
Genomic context (GRCh38, chr15:88,838,985, plus strand): 5'-CATCCCCAGTGACGCCACCTTGGAAGTCCAGAGCCTGCGCTCCAATGACTCTGGGGTCTA[C>G]CGCTGCGAGGTGATGCATGGCATCGAGGACAGCGAGGCCACCCTGGAAGTCGTGGTGAAA-3'

ClinVar aggregate classification (germline): Pathogenic (1 of 4 stars; one submission).

Submission:

Labcorp Genetics (formerly Invitae), Labcorp
Classification: Pathogenic. Last evaluated: 2025-04-01. Review status: criteria provided, single submitter. Criteria: Invitae Variant Classification Sherloc (09022015). Collection method: clinical testing. Allele origin: germline.
Comment: This sequence change creates a premature translational stop signal (p.Tyr131*) in the ACAN gene. It is expected to result in an absent or disrupted protein product. Loss-of-function variants in ACAN are known to be pathogenic (PMID: 16080123, 24762113). This variant is not present in population databases (gnomAD no frequency). This variant has not been reported in the literature in individuals affected with ACAN-related conditions. For these reasons, this variant has been classified as Pathogenic.

Literature cited by the submitters: PubMed 16080123; PubMed 24762113.